The following continues an entry in ClinVar:

NM_007194.4(CHEK2):c.319+2T>A

Gene: CHEK2. ClinVar aggregate classification (germline): Pathogenic/Likely pathogenic. Pathogenic (9); Likely pathogenic (11).

Submissions 9 to 22 of 22:

Women's Health and Genetics/Laboratory Corporation of America, LabCorp
Classification: Pathogenic for Malignant tumor of breast. Last evaluated: 2023-12-04. Review status: criteria provided, single submitter. Criteria: LabCorp Variant Classification Summary - May 2015. Collection method: clinical testing. Allele origin: germline.
Comment: Variant summary: CHEK2 c.319+2T>A is located in a canonical splice-site and is predicted to affect mRNA splicing resulting in a significantly altered protein due to either exon skipping, shortening, or inclusion of intronic material. Several computational tools predict a significant impact on normal splicing: four predict the variant abolishes a 5' splicing donor site. A recent report confirmed this prediction, by demonstrating that the variant didn't produce any full length transcripts in a splicing reporter minigene assay (Sanoguera-Miralles_2023). The variant allele was found at a frequency of 0.0001 in 282,228 control chromosomes (gnomAD v2.1), however in some subpopulations e.g. in the Finnish and Estonian the variant was reported with much higher frequencies, i.e. 0.0006 and 0.0019 respectively. These subpopulation frequencies are higher than the estimated maximum expected for a pathogenic variant in CHEK2 causing Breast Cancer phenotype (0.00031). The variant has been reported in patients with breast cancer and other tumor phenotypes, including e.g. microsatellite-stable colorectal cancer and Cowden-like syndrome (e.g. de Miranda_2013, Susswein_2015, Leedom_2016, Rohlin_2016, Dominguez-Valentin_2017). In a large study evaluating breast cancer cases and controls in the Breast Cancer Association Consortium (BCAC), the variant was reported in 20/60,466 cases, and 7/53,461 controls (Dorling_2021, reported through LOVD). A case control study in the Finnish population, suggested that this variant is associated with elevated risk of breast cancer (Nurmi_2022). While another case-control study performed in Estonians showed that the relative frequency of the variant in the in the general population is 0.09%, and in variant carriers most breast cancer cases were diagnosed after the age of 50y (Pavlovica_2022). The following publications have been ascertained in the context of this evaluation (PMID: 23960188, 26681312, 27696107, 28608266, 27751358, 33471991, 35314380, 36551643, 37725924). 13 other submitters have cited clinical-significance assessments for this variant to ClinVar after 2014, and classified the variant as pathogenic (n=3) or likely pathogenic (n=10). Based on the evidence outlined above, the variant was classified as pathogenic.

Baylor Genetics
Classification: Pathogenic for Familial cancer of breast. Last evaluated: 2023-08-21. Review status: criteria provided, single submitter. Criteria: ACMG Guidelines, 2015. Collection method: clinical testing. Allele origin: unknown.

Myriad Genetics, Inc.
Classification: Likely pathogenic for Familial cancer of breast. Last evaluated: 2023-03-09. Review status: criteria provided, single submitter. Criteria: Myriad Autosomal Dominant, Autosomal Recessive and X-Linked Classification Criteria (2023). Collection method: clinical testing. Allele origin: unknown.
Comment: This variant is considered likely pathogenic. This variant occurs within a consensus splice junction and is predicted to result in abnormal mRNA splicing of either an out-of-frame exon or an in-frame exon necessary for protein stability and/or normal function.

Ambry Genetics
Classification: Pathogenic for Hereditary cancer-predisposing syndrome. Last evaluated: 2023-03-02. Review status: criteria provided, single submitter. Criteria: Ambry Variant Classification Scheme 2023. Collection method: clinical testing. Allele origin: germline.
Comment: The c.319+2T>A pathogenic intronic mutation results from a T to A substitution two nucleotides after coding exon 1 in the CHEK2 gene. In silico splice site analysis predicts that this alteration will weaken the native splice donor site. RNA studies have demonstrated that this alteration results in abnormal splicing in the set of samples tested (Ambry internal data). Based on the majority of available evidence to date, this alteration is interpreted as a disease-causing mutation.

Quest Diagnostics Nichols Institute San Juan Capistrano
Classification: Likely pathogenic. Last evaluated: 2023-01-20. Review status: criteria provided, single submitter. Criteria: Quest Diagnostics criteria. Collection method: clinical testing. Allele origin: unknown.
Comment: This variant disrupts a canonical splice-donor site and interferes with normal CHEK2 mRNA splicing. In the published literature, the variant has been reported in individuals with breast and/or ovarian cancer(PMIDs: 31882575 (2019), 30333958 (2018), 28608266 (2017), 26681312 (2015)), and in an individual with colorectal cancer (PMID: 27696107 (2016)). Based on the available information, this variant is classified as likely pathogenic.

Clinical Genetics Laboratory, Skane University Hospital Lund
Classification: Pathogenic. Last evaluated: 2022-05-27. Review status: criteria provided, single submitter. Criteria: ACMG Guidelines, 2015. Collection method: clinical testing. Allele origin: germline. Affected: yes.

GeneDx
Classification: Likely pathogenic. Last evaluated: 2020-11-30. Review status: criteria provided, single submitter. Criteria: GeneDx Variant Classification Process June 2021. Collection method: clinical testing. Allele origin: germline. Affected: yes.
Comment: Canonical splice site variant predicted to result in a null allele in a gene for which loss-of-function is a known mechanism of disease; Observed in individuals with CHEK2-related cancers (Mantere 2017, Rohlin 2017, Brovkina 2018, Dominguez-Valentin 2018, Olkinuora 2018); Case control studies, in the Finnish population, suggest this variant is associated with breast cancer (Nurmi 2019); Not observed at a significant frequency in large population cohorts (Lek 2016); This variant is associated with the following publications: (PMID: 31948886, 31882575, 30927251, 30333958, 30573798, 27751358, 27696107, 28386063, 24713400, 28608266, 26681312, 23960188)

Human Genome Sequencing Center Clinical Lab, Baylor College of Medicine
Classification: Likely pathogenic for Susceptibility to breast cancer; Susceptibility to prostate cancer. Last evaluated: 2019-12-31. Review status: criteria provided, single submitter. Criteria: ACMG Guidelines, 2015. Collection method: clinical testing. Allele origin: germline.
Comment: This c.319+2T>A variant in CHEK2 gene affects 5Ã¢â‚¬â„¢ splice site of intron 2. The variant is expected to disrupt normal splicing of CHEK2 mRNA, leading to an absent or abnormal protein product. This variant has been reported in multiple unrelated individuals with breast, colorectal and thyroid cancers (PMID: 28386063, 27696107, 28608266). It is present in 29/282228 alleles in the gnomAD population database. Based on the currently available information, the CHEK2 c.319+2T>A variant has been classified as likely pathogenic.

Revvity Omics, Revvity
Classification: Pathogenic. Last evaluated: 2019-03-20. Review status: criteria provided, single submitter. Criteria: ACMG Guidelines, 2015. Collection method: clinical testing. Allele origin: germline.

Mendelics
Classification: Likely pathogenic for Familial cancer of breast. Last evaluated: 2018-07-02. Review status: criteria provided, single submitter. Criteria: Mendelics Assertion Criteria 2017. Collection method: clinical testing. Allele origin: unknown.

Fulgent Genetics
Classification: Likely pathogenic for Familial cancer of breast; Familial prostate cancer; Bone osteosarcoma; CHEK2-related cancer predisposition. Last evaluated: 2017-05-18. Review status: criteria provided, single submitter. Criteria: ACMG Guidelines, 2015. Collection method: clinical testing. Allele origin: unknown.

University Health Network, Familial Cancer Clinic, Princess Margaret Cancer Centre
Classification: Likely pathogenic for CHEK2-related cancer predisposition. Review status: criteria provided, single submitter. Criteria: ACMG Guidelines, 2015. Collection method: clinical testing. Allele origin: germline. Inheritance: Autosomal dominant inheritance. Affected: yes. Observed: 4 variant alleles. Clinical features observed: Choroidal melanoma (HP:0012054), Malignant melanoma of skin (HP:0012056), Breast carcinoma (HP:0003002), Prostate cancer (HP:0012125), Papillary thyroid carcinoma (HP:0002895).

BRCAlab, Lund University
Classification: Likely pathogenic for Familial cancer of breast. Last evaluated: 2022-08-26. Review status: no assertion criteria provided. Collection method: clinical testing. Allele origin: germline. Affected: yes. Not counted in ClinVar's aggregate classification.

Counsyl
Classification: Likely pathogenic for Familial cancer of breast. Last evaluated: 2018-01-10. Review status: no assertion criteria provided. Collection method: clinical testing. Allele origin: unknown. Not counted in ClinVar's aggregate classification.

Literature cited by the submitters: PubMed 37725924 (cited by 6 submitters); PubMed 27751358 (cited by 4 submitters); PubMed 31948886 (cited by 4 submitters); PubMed 26681312 (cited by 6 submitters); PubMed 27696107 (cited by 5 submitters); PubMed 28608266 (cited by 7 submitters); PubMed 30333958 (cited by 4 submitters); PubMed 30927251 (cited by 3 submitters); PubMed 31882575 (cited by 4 submitters); PubMed 35980532 (cited by Labcorp Genetics (formerly Invitae), Labcorp and Institute for Genomic Medicine (IGM) Clinical Laboratory, Nationwide Children's Hospital); PubMed 36551643 (cited by 4 submitters); PubMed 37563628 (cited by Labcorp Genetics (formerly Invitae), Labcorp); PubMed 38201513 (cited by Labcorp Genetics (formerly Invitae), Labcorp and Institute for Genomic Medicine (IGM) Clinical Laboratory, Nationwide Children's Hospital); PubMed 33471991 (cited by Color Diagnostics, LLC DBA Color Health and Women's Health and Genetics/Laboratory Corporation of America, LabCorp); PubMed 35314380 (cited by Color Diagnostics, LLC DBA Color Health and Women's Health and Genetics/Laboratory Corporation of America, LabCorp); PubMed 23960188 (cited by 3 submitters); PubMed 28386063 (cited by Counsyl).